The following is an entry in ClinVar:

NM_005422.4(TECTA):c.2940C>A (p.Cys980Ter)

Genes: TBCEL-TECTA (TBCEL-TECTA readthrough; plus strand), TECTA (tectorin alpha; plus strand), LOC126861365 (P300/CBP strongly-dependent group 1 enhancer GRCh37_chr11:121000154-121001353; plus strand). Cytogenetic location: 11q23.3.
Variant type: single nucleotide variant.
Coding change: c.2940C>A on transcript NM_005422.4 (MANE Select); coding-DNA position 2940, C replaced by A.
Protein change: p.Cys980Ter; replaces cysteine 980 with a stop codon.
Molecular consequence: nonsense.
Genome position (GRCh38, 1-based): chr11:121,130,210, C>A. VCF-style: chr11-121130210-C-A. GRCh37 (hg19) VCF-style: chr11-121000919-C-A.
Other names: c.3897C>A, p.Cys1299Ter (NM_001378761.1); short protein forms C1299*, C980*.
Identifiers: ClinVar variation 1422737 (VCV001422737.6), dbSNP rs1946660318, ClinGen allele CA383017555.
Genomic context (GRCh38, chr11:121,130,210, plus strand): 5'-TGCAAGCGCCTGCAAGAATGCGGACGTGGAGGTGGGGCCCTGGCGGACCTATGACTTCTG[C>A]CGTAAGTTGGGGTTGGATTCTGGGAGAGGCTTTCTAGCTGGGAAATAGGTGCCATGCTGG-3'

ClinVar aggregate classification (germline): Pathogenic (1 of 4 stars; one submission).

Allele frequency attached by ClinVar (database versions not stated): TOPMed below 0.00001.

Submission:

Labcorp Genetics (formerly Invitae), Labcorp
Classification: Pathogenic. Last evaluated: 2024-03-11. Review status: criteria provided, single submitter. Criteria: Invitae Variant Classification Sherloc (09022015). Collection method: clinical testing. Allele origin: germline.
Comment: This sequence change creates a premature translational stop signal (p.Cys980*) in the TECTA gene. It is expected to result in an absent or disrupted protein product. Loss-of-function variants in TECTA are known to be pathogenic (PMID: 11087000, 12746400, 17431902, 24130743). This variant is not present in population databases (gnomAD no frequency). This variant has not been reported in the literature in individuals affected with TECTA-related conditions. ClinVar contains an entry for this variant (Variation ID: 1422737). For these reasons, this variant has been classified as Pathogenic.

Literature cited by the submitters: PubMed 11087000; PubMed 12746400; PubMed 17431902; PubMed 24130743.